The following is an entry in ClinVar:

NM_022124.6(CDH23):c.6232C>A (p.Leu2078Met)

Gene: CDH23 (cadherin related 23; plus strand). Cytogenetic location: 10q22.1.
Variant type: single nucleotide variant.
Coding change: c.6232C>A on transcript NM_022124.6 (MANE Select); coding-DNA position 6232, C replaced by A.
Protein change: p.Leu2078Met; replaces leucine 2078 with methionine.
Molecular consequence: missense variant.
Genome position (GRCh38, 1-based): chr10:71,791,314, C>A. VCF-style: chr10-71791314-C-A. GRCh37 (hg19) VCF-style: chr10-73551071-C-A.
Other names: short protein forms L2078M.
Identifiers: ClinVar variation 2165862 (VCV002165862.4), dbSNP rs1243292292, ClinGen allele CA377153212.
Genomic context (GRCh38, chr10:71,791,314, plus strand): 5'-ACCATCCTGGATGACAATGACAACCGGCCCACCTTTAGCCCTGCCACCCTCACTGTCCAT[C>A]TGCTAGAGAACTGCCCGCCTGGTAAGCAGGGGACAGGCCCCAGCACCCCACAACCAGGGG-3'
Protein context (NP_071407.4, residues 2068-2088): TFSPATLTVH[Leu2078Met]LENCPPGFSV

ClinVar aggregate classification (germline): Uncertain significance (1 of 4 stars; one submission).

Allele frequency attached by ClinVar (database versions not stated): gnomAD exomes below 0.00001.
gnomAD v4.1: 1 of 1,613,736 alleles (0.000062%); highest among the groups gnomAD compares: South Asian, 0.0011%; no homozygotes.

Submission:

Labcorp Genetics (formerly Invitae), Labcorp
Classification: Uncertain significance. Last evaluated: 2023-10-03. Review status: criteria provided, single submitter. Criteria: Invitae Variant Classification Sherloc (09022015). Collection method: clinical testing. Allele origin: germline.
Comment: This sequence change replaces leucine, which is neutral and non-polar, with methionine, which is neutral and non-polar, at codon 2078 of the CDH23 protein (p.Leu2078Met). This variant is not present in population databases (gnomAD no frequency). This variant has not been reported in the literature in individuals affected with CDH23-related conditions. ClinVar contains an entry for this variant (Variation ID: 2165862). Advanced modeling of protein sequence and biophysical properties (such as structural, functional, and spatial information, amino acid conservation, physicochemical variation, residue mobility, and thermodynamic stability) performed at Invitae indicates that this missense variant is not expected to disrupt CDH23 protein function. In summary, the available evidence is currently insufficient to determine the role of this variant in disease. Therefore, it has been classified as a Variant of Uncertain Significance.